The following is an entry in ClinVar:

ClinVar aggregate classification (germline): Likely pathogenic (1 of 4 stars; one submission).

Conditions:
Severe X-linked myotubular myopathy (CNMX). Also called: X-linked centronuclear myopathy; MYOTUBULAR MYOPATHY 1; Myotubular myopathy, X-linked. Identifiers: Orphanet 596, MedGen C0410203, MONDO:0010683, OMIM 310400.

Submission:

Labcorp Genetics (formerly Invitae), Labcorp
Classification: Likely pathogenic for Severe X-linked myotubular myopathy. Last evaluated: 2022-03-09. Review status: criteria provided, single submitter. Criteria: Invitae Variant Classification Sherloc (09022015). Collection method: clinical testing. Allele origin: germline.
Comment: In summary, the currently available evidence indicates that the variant is pathogenic, but additional data are needed to prove that conclusively. Therefore, this variant has been classified as Likely Pathogenic. This variant has not been reported in the literature in individuals affected with MTM1-related conditions. This variant results in the deletion of exons 3-4 and part of exon 2 (c.23_231+69del) of the MTM1 gene. It is expected to disrupt RNA splicing. Variants that disrupt the donor or acceptor splice site typically lead to a loss of protein function (PMID: 16199547), and loss-of-function variants in MTM1 are known to be pathogenic (PMID: 9305655, 10063835).

Literature cited by the submitters: PubMed 16199547; PubMed 9305655; PubMed 10063835.

NC_000023.10:g.(?_149761093)_(149767213_?)del

Gene: MTM1 (myotubularin 1; plus strand). Cytogenetic location: Xq28.
Variant type: Deletion.
Identifiers: ClinVar variation 2422673 (VCV002422673.5).